The following is an entry in ClinVar:

ClinVar aggregate classification (germline): Uncertain significance. Review status: criteria provided, multiple submitters, no conflicts (2 of 4 stars). 6 submissions from 6 submitters: Uncertain significance (5). 1 of the submissions does not count toward it. Last evaluated 2025-08-08.

Conditions:
Bloom syndrome (BLM). Also called: Bloom-Torre-Machacek syndrome. Identifiers: Orphanet 125, MedGen C0005859, MONDO:0008876, OMIM 210900.
Hereditary cancer-predisposing syndrome. Also called: Neoplastic Syndromes, Hereditary; Hereditary Cancer Syndrome; Tumor predisposition; Hereditary neoplastic syndrome. Identifiers: Orphanet 140162, MedGen C0027672, MeSH D009386, MONDO:0015356.

Allele frequency attached by ClinVar (database versions not stated): gnomAD exomes below 0.00001.
gnomAD v4.1: 2 of 1,608,624 alleles (0.00012%); highest among the groups gnomAD compares: Non-Finnish European, 0.00017%; no homozygotes.

Submissions (6):

Helix
Classification: Uncertain significance for Bloom syndrome. Last evaluated: 2025-08-08. Review status: criteria provided, single submitter. Criteria: ACMG Guidelines, 2015. Collection method: clinical testing. Allele origin: germline. Inheritance: Autosomal recessive inheritance.
Comment: This variant (NM_000057.4:c.1631A>G p.Glu544Gly) results in the substitution of glutamic acid with glycine at codon 544 in the BLM protein. It is absent in the gnomAD population database (v4.1) among non-founder subpopulations. To our knowledge, this variant has not been reported in individuals with BLM-related conditions. In silico prediction from REVEL (PMID: 27666373) suggests that this variant may be benign. This variant is present in ClinVar (Accession: VCV000572568.16). In conclusion, since the available evidence is limited, the clinical significance of this variant is unclear at this time. Therefore, it is classified as a Variant of Uncertain Significance.

Labcorp Genetics (formerly Invitae), Labcorp
Classification: Uncertain significance for Bloom syndrome. Last evaluated: 2025-07-31. Review status: criteria provided, single submitter. Criteria: Invitae Variant Classification Sherloc (09022015). Collection method: clinical testing. Allele origin: germline.
Comment: This sequence change replaces glutamic acid, which is acidic and polar, with glycine, which is neutral and non-polar, at codon 544 of the BLM protein (p.Glu544Gly). This variant is not present in population databases (gnomAD no frequency). This variant has not been reported in the literature in individuals affected with BLM-related conditions. ClinVar contains an entry for this variant (Variation ID: 572568). Invitae Evidence Modeling of protein sequence and biophysical properties (such as structural, functional, and spatial information, amino acid conservation, physicochemical variation, residue mobility, and thermodynamic stability) indicates that this missense variant is not expected to disrupt BLM protein function with a negative predictive value of 80%. In summary, the available evidence is currently insufficient to determine the role of this variant in disease. Therefore, it has been classified as a Variant of Uncertain Significance.

Ambry Genetics
Classification: Uncertain significance for Hereditary cancer-predisposing syndrome. Last evaluated: 2025-05-07. Review status: criteria provided, single submitter. Criteria: Ambry Variant Classification Scheme 2023. Collection method: clinical testing. Allele origin: germline.
Comment: The p.E544G variant (also known as c.1631A>G), located in coding exon 6 of the BLM gene, results from an A to G substitution at nucleotide position 1631. The glutamic acid at codon 544 is replaced by glycine, an amino acid with similar properties. This amino acid position is poorly conserved in available vertebrate species. In addition, this alteration is predicted to be tolerated by in silico analysis. Since supporting evidence is limited at this time, the clinical significance of this alteration remains unclear.

GeneDx
Classification: Uncertain significance. Last evaluated: 2023-05-03. Review status: criteria provided, single submitter. Criteria: GeneDx Variant Classification Process June 2021. Collection method: clinical testing. Allele origin: germline. Affected: yes.
Comment: Not observed at significant frequency in large population cohorts (gnomAD); In silico analysis supports that this missense variant has a deleterious effect on protein structure/function; Has not been previously published as pathogenic or benign to our knowledge

St. Jude Molecular Pathology, St. Jude Children's Research Hospital
Classification: Uncertain significance for Bloom syndrome. Last evaluated: 2022-08-15. Review status: criteria provided, single submitter. Criteria: St. Jude Assertion Criteria 2020. Collection method: clinical testing. Allele origin: germline.
Comment: The BLM c.1631A>G (p.Glu544Gly) missense change is absent in gnomAD v2.1.1. The in silico tool REVEL predicts a benign effect on protein function, but to our knowledge this prediction has not been confirmed by functional studies. To our knowledge, this variant has not been reported in individuals with Bloom syndrome. In summary, the evidence currently available is insufficient to determine the clinical significance of this variant. It has therefore been classified as of uncertain significance.

Natera, Inc.
Classification: Uncertain significance for Bloom syndrome. Last evaluated: 2018-10-04. Review status: no assertion criteria provided. Collection method: clinical testing. Allele origin: germline. Not counted in ClinVar's aggregate classification.

NM_000057.4(BLM):c.1631A>G (p.Glu544Gly)

Gene: BLM (BLM RecQ like helicase; plus strand). Cytogenetic location: 15q26.1.
Variant type: single nucleotide variant.
Coding change: c.1631A>G on transcript NM_000057.4 (MANE Select); coding-DNA position 1631, A replaced by G.
Protein change: p.Glu544Gly; replaces glutamic acid 544 with glycine.
Molecular consequence: missense variant.
Genome position (GRCh38, 1-based): chr15:90,761,004, A>G. VCF-style: chr15-90761004-A-G. GRCh37 (hg19) VCF-style: chr15-91304234-A-G.
Other names: c.1631A>G, p.Glu544Gly (NM_001287246.2, NM_001287247.2); c.506A>G, p.Glu169Gly (NM_001287248.2); c.1631A>G (NM_000057.2); short protein forms E544G, E169G.
Identifiers: ClinVar variation 572568 (VCV000572568.17), dbSNP rs1567041307, ClinGen allele CA393843484.